The following is an entry in ClinVar:

NM_004369.4(COL6A3):c.6724A>G (p.Ile2242Val)

Gene: COL6A3 (collagen type VI alpha 3 chain; minus strand). Cytogenetic location: 2q37.3.
Variant type: single nucleotide variant.
Coding change: c.6724A>G on transcript NM_004369.4 (MANE Select); coding-DNA position 6724, A replaced by G.
Protein change: p.Ile2242Val; replaces isoleucine 2242 with valine.
Molecular consequence: missense variant.
Genome position (GRCh38, 1-based): chr2:237,352,551, T>C on the plus strand (A>G on the coding strand, the complement: COL6A3 is on the minus strand). VCF-style: chr2-237352551-T-C. GRCh37 (hg19) VCF-style: chr2-238261194-T-C.
Other names: c.4903A>G, p.Ile1635Val (NM_057166.5); c.6106A>G, p.Ile2036Val (NM_057167.4); short protein forms I1635V, I2036V, I2242V.
Identifiers: ClinVar variation 2006824 (VCV002006824.4), dbSNP rs2469838915, ClinGen allele CA351211788.

ClinVar aggregate classification (germline): Uncertain significance (1 of 4 stars; one submission).

Conditions:
Bethlem myopathy 1A. Also called: MYOPATHY, BENIGN CONGENITAL, WITH CONTRACTURES; Bethlem myopathy 1; Bethlem Muscular Dystrophy. Identifiers: Orphanet 610, MedGen CN029274, MONDO:0024530, OMIM 158810.

Allele frequency attached by ClinVar (database versions not stated): gnomAD exomes below 0.00001.
gnomAD v4.1: 1 of 1,613,570 alleles (0.000062%); no homozygotes.

Submission:

Labcorp Genetics (formerly Invitae), Labcorp
Classification: Uncertain significance for Bethlem myopathy 1A. Last evaluated: 2022-06-25. Review status: criteria provided, single submitter. Criteria: Invitae Variant Classification Sherloc (09022015). Collection method: clinical testing. Allele origin: germline.
Comment: In summary, the available evidence is currently insufficient to determine the role of this variant in disease. Therefore, it has been classified as a Variant of Uncertain Significance. Advanced modeling of protein sequence and biophysical properties (such as structural, functional, and spatial information, amino acid conservation, physicochemical variation, residue mobility, and thermodynamic stability) performed at Invitae indicates that this missense variant is not expected to disrupt COL6A3 protein function. This variant has not been reported in the literature in individuals affected with COL6A3-related conditions. This variant is not present in population databases (gnomAD no frequency). This sequence change replaces isoleucine, which is neutral and non-polar, with valine, which is neutral and non-polar, at codon 2242 of the COL6A3 protein (p.Ile2242Val).